The following is an entry in ClinVar:

ClinVar aggregate classification (germline): Uncertain significance (1 of 4 stars; one submission).

Conditions:
Familial cancer of breast. Also called: BREAST CANCER, FAMILIAL; Hereditary breast cancer; hereditary breast carcinoma. Identifiers: Orphanet 227535, MedGen C0346153, MONDO:0016419, OMIM 114480. Disease mechanism: loss of function.

Submission:

Labcorp Genetics (formerly Invitae), Labcorp
Classification: Uncertain significance for Familial cancer of breast. Last evaluated: 2024-02-26. Review status: criteria provided, single submitter. Criteria: Invitae Variant Classification Sherloc (09022015). Collection method: clinical testing. Allele origin: germline.
Comment: This sequence change replaces asparagine, which is neutral and polar, with lysine, which is basic and polar, at codon 851 of the PALB2 protein (p.Asn851Lys). This variant is not present in population databases (gnomAD no frequency). This variant has not been reported in the literature in individuals affected with PALB2-related conditions. ClinVar contains an entry for this variant (Variation ID: 1432389). Advanced modeling of protein sequence and biophysical properties (such as structural, functional, and spatial information, amino acid conservation, physicochemical variation, residue mobility, and thermodynamic stability) performed at Invitae indicates that this missense variant is not expected to disrupt PALB2 protein function with a negative predictive value of 80%. In summary, the available evidence is currently insufficient to determine the role of this variant in disease. Therefore, it has been classified as a Variant of Uncertain Significance.

NM_024675.4(PALB2):c.2553C>A (p.Asn851Lys)

Gene: PALB2 (partner and localizer of BRCA2; minus strand). Cytogenetic location: 16p12.2.
Variant type: single nucleotide variant.
Coding change: c.2553C>A on transcript NM_024675.4 (MANE Select); coding-DNA position 2553, C replaced by A.
Protein change: p.Asn851Lys; replaces asparagine 851 with lysine.
Molecular consequence: missense variant.
Genome position (GRCh38, 1-based): chr16:23,629,237, G>T on the plus strand (C>A on the coding strand, the complement: PALB2 is on the minus strand). VCF-style: chr16-23629237-G-T. GRCh37 (hg19) VCF-style: chr16-23640558-G-T.
Other names: short protein forms N851K.
Identifiers: ClinVar variation 1432389 (VCV001432389.9), dbSNP rs2142368337, ClinGen allele CA395123762.